The following is an entry in ClinVar:

NM_001288705.3(CSF1R):c.1109G>A (p.Arg370His)

Gene: CSF1R (colony stimulating factor 1 receptor; minus strand). Cytogenetic location: 5q32.
Variant type: single nucleotide variant.
Coding change: c.1109G>A on transcript NM_001288705.3 (MANE Select); coding-DNA position 1109, G replaced by A.
Protein change: p.Arg370His; replaces arginine 370 with histidine.
Molecular consequence: missense variant. On other transcripts: non-coding transcript variant (2).
Genome position (GRCh38, 1-based): chr5:150,070,545, C>T on the plus strand (G>A on the coding strand, the complement: CSF1R is on the minus strand). VCF-style: chr5-150070545-C-T. GRCh37 (hg19) VCF-style: chr5-149450108-C-T.
Other names: c.1109G>A, p.Arg370His (NM_001349736.2, NM_001375320.1, NM_005211.4); c.665G>A, p.Arg222His (NM_001375321.1); short protein forms R370H, R222H.
Identifiers: ClinVar variation 1932503 (VCV001932503.5), dbSNP rs1415767125, ClinGen allele CA361722457.

ClinVar aggregate classification (germline): Uncertain significance (1 of 4 stars; one submission).

Allele frequency attached by ClinVar (database versions not stated): gnomAD 0.00001.
gnomAD v4.1: 6 of 1,545,228 alleles (0.00039%); highest among the groups gnomAD compares: African/African-American, 0.0014%; no homozygotes.

Submission:

Labcorp Genetics (formerly Invitae), Labcorp
Classification: Uncertain significance. Last evaluated: 2022-10-18. Review status: criteria provided, single submitter. Criteria: Invitae Variant Classification Sherloc (09022015). Collection method: clinical testing. Allele origin: germline.
Comment: In summary, the available evidence is currently insufficient to determine the role of this variant in disease. Therefore, it has been classified as a Variant of Uncertain Significance. Advanced modeling of protein sequence and biophysical properties (such as structural, functional, and spatial information, amino acid conservation, physicochemical variation, residue mobility, and thermodynamic stability) performed at Invitae indicates that this missense variant is not expected to disrupt CSF1R protein function. This variant has not been reported in the literature in individuals affected with CSF1R-related conditions. The frequency data for this variant in the population databases is considered unreliable, as metrics indicate poor data quality at this position in the gnomAD database. This sequence change replaces arginine, which is basic and polar, with histidine, which is basic and polar, at codon 370 of the CSF1R protein (p.Arg370His).